The following is an entry in ClinVar:

ClinVar aggregate classification (germline): Likely benign. Review status: criteria provided, multiple submitters, no conflicts (2 of 4 stars). 2 submissions from 2 submitters: Likely benign (2). Last evaluated 2024-10-22.

Conditions:
Malignant hyperthermia, susceptibility to, 5 (MHS5). Also called: CACNA1S-Related Malignant Hyperthermia Susceptibility. Identifiers: Orphanet 423, MedGen C1866077, MONDO:0011163, OMIM 601887.
Hypokalemic periodic paralysis, type 1. Also called: Hypokalemic Periodic Paralysis Type 1 (AD); HypoPP. Identifiers: Orphanet 681, MedGen C3714580, MONDO:0042979, OMIM 170400.

gnomAD v4.1: 8 of 1,614,148 alleles (0.0005%); highest among the groups gnomAD compares: Non-Finnish European, 0.00068%; no homozygotes.

Submissions (2):

Labcorp Genetics (formerly Invitae), Labcorp
Classification: Likely benign for Hypokalemic periodic paralysis, type 1; Malignant hyperthermia, susceptibility to, 5. Last evaluated: 2024-10-22. Review status: criteria provided, single submitter. Criteria: Invitae Variant Classification Sherloc (09022015). Collection method: clinical testing. Allele origin: germline.

All of Us Research Program, National Institutes of Health
Classification: Likely benign for Malignant hyperthermia, susceptibility to, 5. Last evaluated: 2024-07-10. Review status: criteria provided, single submitter. Criteria: ACMG Guidelines, 2015. Collection method: clinical testing. Allele origin: germline. Inheritance: Autosomal dominant inheritance. Observed: 1 variant allele, 1 heterozygote.
Comment: This study involves interpretation of variants in research participants for the purpose of population health screening. Participant phenotype was not available at the time of variant classification. Additional details can be found in publication PMID: 35346344, PMCID: PMC8962531

NM_000069.3(CACNA1S):c.516C>A (p.Pro172=)

Gene: CACNA1S (calcium voltage-gated channel subunit alpha1 S; minus strand). Cytogenetic location: 1q32.1.
Variant type: single nucleotide variant.
Coding change: c.516C>A on transcript NM_000069.3 (MANE Select); coding-DNA position 516, C replaced by A.
Protein change: p.Pro172=; no amino-acid change (proline 172 retained).
Molecular consequence: synonymous variant.
Genome position (GRCh38, 1-based): chr1:201,091,997, G>T on the plus strand (C>A on the coding strand, the complement: CACNA1S is on the minus strand). VCF-style: chr1-201091997-G-T. GRCh37 (hg19) VCF-style: chr1-201061125-G-T.
Identifiers: ClinVar variation 3386404 (VCV003386404.3).